The following is an entry in ClinVar:

NM_001276270.2(MBD4):c.847C>G (p.Gln283Glu)

Gene: MBD4 (methyl-CpG binding domain 4, DNA glycosylase; minus strand). Cytogenetic location: 3q21.3.
Variant type: single nucleotide variant.
Coding change: c.847C>G on transcript NM_001276270.2 (MANE Select); coding-DNA position 847, C replaced by G.
Protein change: p.Gln283Glu; replaces glutamine 283 with glutamic acid.
Molecular consequence: missense variant. On other transcripts: intron variant (1).
Genome position (GRCh38, 1-based): chr3:129,436,797, G>C on the plus strand (C>G on the coding strand, the complement: MBD4 is on the minus strand). VCF-style: chr3-129436797-G-C. GRCh37 (hg19) VCF-style: chr3-129155640-G-C.
Other names: c.847C>G, p.Gln283Glu (NM_001276271.2, NM_001276272.2, NM_003925.3); c.247+1011C>G (NM_001276273.2); short protein forms Q283E.
Identifiers: ClinVar variation 4767563 (VCV004767563.1).
Genomic context (GRCh38, chr3:129,436,797, plus strand): 5'-TCACACTGAGGGTCTCACCACATGCTCCAGCATCAGAAATGCAGACAGTTCTATCAAGCT[G>C]ACTTTTTTGTGCAACAGGTTCACTTTCAGCATCTGCTTTATTACACACAGATTCTCTTTT-3'
Protein context (NP_001263199.1, residues 273-293): AESEPVAQKS[Gln283Glu]LDRTVCISDA

ClinVar aggregate classification (germline): Uncertain significance (1 of 4 stars; one submission).

Submission:

Labcorp Genetics (formerly Invitae), Labcorp
Classification: Uncertain significance. Last evaluated: 2026-01-04. Review status: criteria provided, single submitter. Criteria: Invitae Variant Classification Sherloc (09022015). Collection method: clinical testing. Allele origin: germline.
Comment: This sequence change replaces glutamine, which is neutral and polar, with glutamic acid, which is acidic and polar, at codon 283 of the MBD4 protein (p.Gln283Glu). This variant is not present in population databases (gnomAD no frequency). This variant has not been reported in the literature in individuals affected with MBD4-related conditions. An algorithm developed to predict the effect of missense changes on protein structure and function outputs the following: PolyPhen-2: "Benign". The glutamic acid amino acid residue is found in multiple mammalian species, which suggests that this missense change does not adversely affect protein function. In summary, the available evidence is currently insufficient to determine the role of this variant in disease. Therefore, it has been classified as a Variant of Uncertain Significance.